The following is an entry in ClinVar:

NM_004415.4(DSP):c.1840G>A (p.Asp614Asn)

Gene: DSP (desmoplakin; plus strand). Cytogenetic location: 6p24.3.
Variant type: single nucleotide variant.
Coding change: c.1840G>A on transcript NM_004415.4 (MANE Select); coding-DNA position 1840, G replaced by A.
Protein change: p.Asp614Asn; replaces aspartic acid 614 with asparagine.
Molecular consequence: missense variant.
Genome position (GRCh38, 1-based): chr6:7,571,521, G>A. VCF-style: chr6-7571521-G-A. GRCh37 (hg19) VCF-style: chr6-7571754-G-A.
Other names: c.1840G>A (LRG_423t1, NM_004415.3); c.1840G>A, p.Asp614Asn (NM_001008844.3, NM_001319034.2); short protein forms D614N.
Identifiers: ClinVar variation 357941 (VCV000357941.22), dbSNP rs764951792, ClinGen allele CA030240.

ClinVar aggregate classification (germline): Conflicting classifications of pathogenicity. Review status: criteria provided, conflicting classifications (1 of 4 stars). 10 submissions from 8 submitters: Uncertain significance (7); Likely benign (3). Last evaluated 2025-09-05.

Conditions:
Cardiovascular phenotype. Identifiers: MedGen CN230736.
Arrhythmogenic right ventricular dysplasia 8 (ARVD8). Also called: Arrhythmogenic Right Ventricular Dysplasia/Cardiomyopathy 8; ARRHYTHMOGENIC RIGHT VENTRICULAR DYSPLASIA, FAMILIAL, 8; ARRHYTHMOGENIC RIGHT VENTRICULAR CARDIOMYOPATHY 8. Identifiers: MedGen C1843896, MONDO:0011831, OMIM 607450.
Arrhythmogenic cardiomyopathy with wooly hair and keratoderma. Also called: PALMOPLANTAR KERATODERMA WITH LEFT VENTRICULAR CARDIOMYOPATHY AND WOOLLY HAIR; Arrhythmogenic cardiomyopathy with woolly hair and keratoderma; Carvajal syndrome; Dilated cardiomyopathy with woolly hair and keratoderma. Identifiers: Orphanet 65282, MedGen C1854063, MONDO:0011581, OMIM 605676.
Cardiomyopathy (CMYO). Also called: Cardiomyopathies. Identifiers: Orphanet 167848, MedGen C0878544, MONDO:0004994, HP:0001638. Inheritance: Various modes of inheritance.
Keratosis palmoplantaris striata 2. Also called: Keratosis palmoplantaris striata II; KERATODERMA, PALMOPLANTAR, STRIATE FORM II; STRIATE PALMOPLANTAR KERATODERMA II. Identifiers: MedGen C1852127, MONDO:0013034, OMIM 612908.
Woolly hair-skin fragility syndrome (WHSF). Identifiers: Orphanet 293165, MedGen C1843292, MONDO:0957307, OMIM 620415.
Cardiomyopathy, dilated, with wooly hair, keratoderma, and tooth agenesis. Also called: Cardiomyopathy, dilated, with woolly hair, keratoderma, and tooth agenesis; Erythrokeratodermia-cardiomyopathy syndrome. Identifiers: Orphanet 476096, Orphanet 65282, MedGen C4014393, MONDO:0014355, OMIM 615821.
Lethal acantholytic epidermolysis bullosa (EBLA). Identifiers: Orphanet 158687, MedGen C1864826, MONDO:0012323, OMIM 609638.

Allele frequency attached by ClinVar (database versions not stated): gnomAD exomes 0.00002; TOPMed 0.00002; ExAC 0.00003; gnomAD 0.00003.
gnomAD v4.1: 70 of 1,614,060 alleles (0.0043%); highest among the groups gnomAD compares: Non-Finnish European, 0.0053%; no homozygotes.

Submissions (10):

Ambry Genetics
Classification: Likely benign for Cardiovascular phenotype. Last evaluated: 2025-09-05. Review status: criteria provided, single submitter. Criteria: Ambry Variant Classification Scheme 2023. Collection method: clinical testing. Allele origin: germline.

Molecular Diagnostic Laboratory for Inherited Cardiovascular Disease, Montreal Heart Institute
Classification: Likely benign. Last evaluated: 2025-04-09. Review status: criteria provided, single submitter. Criteria: ACMG Guidelines, 2015. Collection method: clinical testing. Allele origin: germline. Affected: no.
Comment: BP4, BP5

Labcorp Genetics (formerly Invitae), Labcorp
Classification: Likely benign for Arrhythmogenic cardiomyopathy with wooly hair and keratoderma; Arrhythmogenic right ventricular dysplasia 8. Last evaluated: 2024-11-04. Review status: criteria provided, single submitter. Criteria: Invitae Variant Classification Sherloc (09022015). Collection method: clinical testing. Allele origin: germline.

Color Diagnostics, LLC DBA Color Health
Classification: Uncertain significance for Cardiomyopathy. Last evaluated: 2024-03-06. Review status: criteria provided, single submitter. Criteria: ACMG Guidelines, 2015. Collection method: clinical testing. Allele origin: germline.
Comment: This missense variant replaces aspartic acid with asparagine at codon 614 of the DSP protein. Computational prediction suggests that this variant may not impact protein structure and function (internally defined REVEL score threshold <= 0.5, PMID: 27666373). To our knowledge, functional studies have not been reported for this variant. This variant has not been reported in individuals affected with cardiovascular disorders in the literature. This variant has been identified in 5/282656 chromosomes in the general population by the Genome Aggregation Database (gnomAD). The available evidence is insufficient to determine the role of this variant in disease conclusively. Therefore, this variant is classified as a Variant of Uncertain Significance.

Blueprint Genetics
Classification: Uncertain significance. Last evaluated: 2023-01-31. Review status: criteria provided, single submitter. Criteria: ACMG Guidelines, 2015. Collection method: clinical testing. Allele origin: germline.

Fulgent Genetics
Classification: Uncertain significance for Arrhythmogenic cardiomyopathy with wooly hair and keratoderma; Arrhythmogenic right ventricular dysplasia 8; Lethal acantholytic epidermolysis bullosa; Keratosis palmoplantaris striata 2; Cardiomyopathy, dilated, with wooly hair, keratoderma, and tooth agenesis. Last evaluated: 2021-10-14. Review status: criteria provided, single submitter. Criteria: ACMG Guidelines, 2015. Collection method: clinical testing. Allele origin: unknown.

GeneDx
Classification: Uncertain significance. Last evaluated: 2019-11-05. Review status: criteria provided, single submitter. Criteria: GeneDx Variant Classification Process June 2021. Collection method: clinical testing. Allele origin: germline. Affected: yes.
Comment: Has not been previously published as pathogenic or benign to our knowledge; Reported in ClinVar as a variant of uncertain significance but additional evidence is not available (ClinVar Variant ID# 357941; Landrum et al., 2016); Not observed at a significant frequency in large population cohorts (Lek et al., 2016); In silico analysis, which includes protein predictors and evolutionary conservation, supports that this variant does not alter protein structure/function

Illumina Laboratory Services, Illumina
Classification: Uncertain significance for Arrhythmogenic cardiomyopathy with wooly hair and keratoderma. Last evaluated: 2018-01-13. Review status: criteria provided, single submitter. Criteria: ICSL Variant Classification Criteria 13 December 2019. Collection method: clinical testing. Allele origin: germline.

Illumina Laboratory Services, Illumina
Classification: Uncertain significance for Lethal acantholytic epidermolysis bullosa. Last evaluated: 2018-01-13. Review status: criteria provided, single submitter. Criteria: ICSL Variant Classification Criteria 13 December 2019. Collection method: clinical testing. Allele origin: germline.

Illumina Laboratory Services, Illumina
Classification: Uncertain significance for Arrhythmogenic right ventricular dysplasia 8. Last evaluated: 2018-01-13. Review status: criteria provided, single submitter. Criteria: ICSL Variant Classification Criteria 13 December 2019. Collection method: clinical testing. Allele origin: germline.